The following is an entry in ClinVar:

NM_032119.4(ADGRV1):c.9440G>A (p.Arg3147Gln)

Gene: ADGRV1 (adhesion G protein-coupled receptor V1; plus strand). Cytogenetic location: 5q14.3.
Variant type: single nucleotide variant.
Coding change: c.9440G>A on transcript NM_032119.4 (MANE Select); coding-DNA position 9440, G replaced by A.
Protein change: p.Arg3147Gln; replaces arginine 3147 with glutamine.
Molecular consequence: missense variant. On other transcripts: non-coding transcript variant (1).
Genome position (GRCh38, 1-based): chr5:90,716,722, G>A. VCF-style: chr5-90716722-G-A. GRCh37 (hg19) VCF-style: chr5-90012539-G-A.
Other names: short protein forms R3147Q.
Identifiers: ClinVar variation 46404 (VCV000046404.90), dbSNP rs200792658, ClinGen allele CA138267.
Genomic context (GRCh38, chr5:90,716,722, plus strand): 5'-CAAATGAATCTAAAGATCTGACTCCTTCCAAAGGCTATATTGTTTTAGAAGAAGGTGTTC[G>A]ATTCAAGGTACAGTAAGAAGCTTTAATGAGAATGGAAGTTTATCTTTAATATTTACAAAA-3'
Protein context (NP_115495.3, residues 3137-3157): KGYIVLEEGV[Arg3147Gln]FKALQISAIL

ClinVar aggregate classification (germline): Conflicting classifications of pathogenicity. Review status: criteria provided, conflicting classifications (1 of 4 stars). 11 submissions from 11 submitters: Uncertain significance (7); Likely benign (2). 2 of the submissions do not count toward it. Last evaluated 2026-03-09.

Conditions:
Usher syndrome type 2. Also called: Usher Syndrome Type II. Identifiers: Orphanet 231178, MedGen C0339534, MONDO:0016484.
ADGRV1-related disorder. Also called: ADGRV1-related condition; ADGRV1-related disorders.
Idiopathic generalized epilepsy. Also called: EIG; Generalised epilepsy. Identifiers: MedGen C0270850, MONDO:0005579, OMIM 600669.
Febrile seizures, familial, 4 (FEB4). Also called: CONVULSIONS, FAMILIAL FEBRILE, 4. Identifiers: MedGen C1858493, MONDO:0011443, OMIM 604352.
Usher syndrome type 2C. Also called: Usher syndrome, type 2B; USHER SYNDROME, TYPE IIC. Identifiers: Orphanet 231178, Orphanet 886, MedGen C2931213, MONDO:0011558, OMIM 605472.

Allele frequency attached by ClinVar (database versions not stated): ESP Exome Variant Server 0.00017; ExAC 0.00020; gnomAD exomes 0.00022 and 0.00030; gnomAD 0.00036 and 0.00037; 1000 Genomes Project 0.00040; TOPMed 0.00052; 1000 Genomes Project 30x 0.00062.
gnomAD v4.1: 373 of 1,610,666 alleles (0.023%); highest among the groups gnomAD compares: Admixed American, 0.14%; no homozygotes.

Submissions (11):

PreventionGenetics, part of Exact Sciences
Classification: Uncertain significance for ADGRV1-related condition. Last evaluated: 2026-03-09. Review status: criteria provided, single submitter. Criteria: ACMG Guidelines, 2015. Collection method: clinical testing. Allele origin: germline.
Comment: The ADGRV1 c.9440G>A variant is predicted to result in the amino acid substitution p.Arg3147Gln. This variant was reported along with a second missense variant (c.1718G>T, p.Gly573Val) in three siblings with progressive hearing loss with unreported phase (Neveling et al. 2013. PubMed ID: 24123792), in a cohort of patients with inherited retinal disease (Table S2, Sharon et al. 2019. PubMed ID: 31456290), and in cis phase in one individual with epilepsy (Dahawi et al. 2021. PubMed ID: 34744978). Based on internal data, the c.1718G>T and c.9440G>A variants are frequently detected together, suggesting that they are often found in cis. This variant is reported in 0.12% of alleles in individuals of Latino descent in gnomAD. Although we suspect this variant may be benign, at this time, the clinical significance of this variant is uncertain due to the absence of conclusive functional and genetic evidence.

Labcorp Genetics (formerly Invitae), Labcorp
Classification: Likely benign. Last evaluated: 2026-01-21. Review status: criteria provided, single submitter. Criteria: Invitae Variant Classification Sherloc (09022015). Collection method: clinical testing. Allele origin: germline.

Women's Health and Genetics/Laboratory Corporation of America, LabCorp
Classification: Uncertain significance. Last evaluated: 2024-08-14. Review status: criteria provided, single submitter. Criteria: LabCorp Variant Classification Summary - May 2015. Collection method: clinical testing. Allele origin: germline.
Comment: Variant summary: ADGRV1 c.9440G>A (p.Arg3147Gln) results in a non-conservative amino acid change in the encoded protein sequence. Four of five in-silico tools predict a damaging effect of the variant on protein function. The variant allele was found at a frequency of 0.0003 in 248466 control chromosomes. This frequency is not significantly higher than estimated for a pathogenic variant in ADGRV1 causing Usher Syndrome (0.0003 vs 0.0054), allowing no conclusion about variant significance. c.9440G>A has been reported in the literature in individuals affected with Usher Syndrome, progressive hearing loss and epilepsy, often reported in cis with c.1718G>T (p.Gly573Val) (Neveling_2013, Sharon_2020, Dahawi_2021). These report(s) do not provide unequivocal conclusions about association of the variant with Usher Syndrome. To our knowledge, no experimental evidence demonstrating an impact on protein function has been reported. The following publications have been ascertained in the context of this evaluation (PMID: 34744978, 24123792, 31456290). ClinVar contains an entry for this variant (Variation ID: 46290). Based on the evidence outlined above, the variant was classified as uncertain significance.

Blueprint Genetics
Classification: Likely benign. Last evaluated: 2024-08-09. Review status: criteria provided, single submitter. Criteria: ACMG Guidelines, 2015. Collection method: clinical testing. Allele origin: germline.

Laboratory for Molecular Medicine, Mass General Brigham Personalized Medicine
Classification: Uncertain significance. Last evaluated: 2020-06-04. Review status: criteria provided, single submitter. Criteria: LMM Criteria. Collection method: clinical testing. Allele origin: germline. Observed: 7 variant alleles.
Comment: The p.Arg3147Gln variant in ADGRV1 (also known as GPR98) has been previously reported in 5 individuals with hearing loss (Neveling 2013, LMM data), 4 of whom also carried the p.Gly573Val variant of uncertain significance in ADGRV1. The p.Arg3147Gln variant has also been reported in ClinVar (Variation ID # 46404) as of uncertain significance. It has also been identified in 0.1% (42/35316) of Latino chromosomes at a similar frequency as the p.Gly573Val variant (0.1%; 41/35348 Latino chromosomes) by the Genome Aggregation Database (gnomAD; dbSNP rs200792658 and dbSNP rs200789563). Collectively, these data suggest that these variants are in linkage disequilibrium and are in cis in all reported individuals identified thus far. Moreover, arginine (Arg) at position 3147 is not conserved in mammals or evolutionarily distant species. Of note, 2 mammals (Elephant and Opossum) carry a glutamine (Gln) at this position, raising the possibility that this change may be tolerated. Additional computational prediction tools do not provide strong support for or against an impact to the protein. In summary, the clinical significance of the p.Arg3147Gln variant is uncertain. ACMG/AMP criteria applied: BS1_Supporting, BP4.

Eurofins Ntd Llc (ga)
Classification: Uncertain significance. Last evaluated: 2017-11-24. Review status: criteria provided, single submitter. Criteria: EGL Classification Definitions 2015. Collection method: clinical testing. Allele origin: germline. Observed: 2 variant alleles, 2 heterozygotes.

Illumina Laboratory Services, Illumina
Classification: Uncertain significance for Usher syndrome type 2C. Last evaluated: 2017-04-28. Review status: criteria provided, single submitter. Criteria: ICSL Variant Classification Criteria 13 December 2019. Collection method: clinical testing. Allele origin: germline.
Comment: This variant was observed as part of a predisposition screen in an ostensibly healthy population. A literature search was performed for the gene, cDNA change, and amino acid change (where applicable). Publications were found based on this search. However, the evidence from the literature, in combination with allele frequency data from public databases where available, was not sufficient to rule this variant in or out of causing disease. Therefore, this variant is classified as a variant of unknown significance.

CeGaT Center for Human Genetics Tuebingen
Classification: Uncertain significance. Last evaluated: 2017-03-01. Review status: criteria provided, single submitter. Criteria: CeGaT Center For Human Genetics Tuebingen Variant Classification Criteria Version 2. Collection method: clinical testing. Allele origin: germline. Affected: yes. Observed: 1 variant allele.

Institute of Human Genetics, University Hospital of Duesseldorf
Classification: Uncertain significance for Febrile seizures, familial, 4. Review status: criteria provided, single submitter. Criteria: ACMG Guidelines, 2015. Collection method: not provided. Allele origin: germline. Inheritance: Autosomal dominant inheritance. Affected: yes.

Sharon lab, Hadassah-Hebrew University Medical Center
Classification: Likely pathogenic for Usher syndrome type 2. Last evaluated: 2019-06-23. Review status: no assertion criteria provided. Collection method: research. Allele origin: inherited. Affected: yes. Not counted in ClinVar's aggregate classification.

Paris Brain Institute, Inserm - ICM
Classification: Likely pathogenic for Idiopathic generalized epilepsy. Review status: no assertion criteria provided. Collection method: research. Allele origin: germline. Inheritance: Oligogenic inheritance. Affected: yes. Not counted in ClinVar's aggregate classification.

Literature cited by the submitters: PubMed 31456290 (cited by Women's Health and Genetics/Laboratory Corporation of America, LabCorp); PubMed 24123792 (cited by 3 submitters); PubMed 34744978 (cited by Women's Health and Genetics/Laboratory Corporation of America, LabCorp); PubMed 30245029 (cited by Laboratory for Molecular Medicine, Mass General Brigham Personalized Medicine).